The following is an entry in ClinVar:

NM_000136.3(FANCC):c.1661T>C (p.Leu554Pro)

Genes: AOPEP (aminopeptidase O (putative); plus strand), FANCC (FA complementation group C; minus strand). Cytogenetic location: 9q22.32.
Variant type: single nucleotide variant.
Coding change: c.1661T>C on transcript NM_000136.3 (MANE Select); coding-DNA position 1661, T replaced by C.
Protein change: p.Leu554Pro; replaces leucine 554 with proline.
Molecular consequence: missense variant.
Genome position (GRCh38, 1-based): chr9:95,101,723, A>G on the plus strand (T>C on the coding strand, the complement: FANCC is on the minus strand). VCF-style: chr9-95101723-A-G. GRCh37 (hg19) VCF-style: chr9-97864005-A-G.
Other names: c.1661T>C, p.Leu554Pro (NM_001243743.2); short protein forms L554P.
Identifiers: ClinVar variation 12043 (VCV000012043.65), dbSNP rs104886458, ClinGen allele CA284829.

ClinVar aggregate classification (germline): Pathogenic/Likely pathogenic. Review status: criteria provided, multiple submitters, no conflicts (2 of 4 stars). 16 submissions from 16 submitters: Pathogenic (8); Likely pathogenic (3). 5 of the submissions do not count toward it. Last evaluated 2025-12-03.

Conditions:
FANCC-related disorder. Also called: FANCC-related condition.
Hereditary cancer-predisposing syndrome. Also called: Neoplastic Syndromes, Hereditary; Tumor predisposition; Hereditary Cancer Syndrome; Hereditary neoplastic syndrome. Identifiers: Orphanet 140162, MedGen C0027672, MeSH D009386, MONDO:0015356.
Fanconi anemia (FA). Also called: Fanconi's anemia. Identifiers: Orphanet 84, MedGen C0015625, MeSH D005199, MONDO:0019391.
Fanconi anemia complementation group C (FANCC). Also called: Fanconi anemia, group C; FANCONI PANCYTOPENIA, TYPE 3; FACC; FANCC-Related Fanconi Anemia. Identifiers: Orphanet 84, MedGen C3468041, MONDO:0009213, OMIM 227645.

Allele frequency attached by ClinVar (database versions not stated): TOPMed 0.00002; gnomAD exomes 0.00001; gnomAD 0.00002; ExAC 0.00001.
gnomAD v4.1: 24 of 1,613,908 alleles (0.0015%); highest among the groups gnomAD compares: Non-Finnish European, 0.002%; no homozygotes.

Submissions 1 to 9 of 16:

Natera, Inc.
Classification: Likely pathogenic for Fanconi anemia. Last evaluated: 2025-12-03. Review status: criteria provided, single submitter. Criteria: Natera Variant Classification Schema (03/2026). Collection method: clinical testing. Allele origin: germline.
Comment: The c.1661T>C variant in FANCC is a missense variant predicted to cause substitution of leucine to proline at amino acid 554. This variant is rare in the general population with a frequency below the threshold expected for the associated phenotype(s). This variant has been observed in one or more individuals affected with the associated recessive disease, as either homozygous or compound heterozygous with a second variant (PMID: 8703809, 7517562). Additionally, this variant has been observed to segregate in affected family members (PMID: 8703809). Functional studies show that this variant may disrupt protein function (PMID: 8639804). Computational prediction algorithms indicate this variant is likely to affect gene or protein function. Given the available evidence, this variant is classified as Likely Pathogenic.

Labcorp Genetics (formerly Invitae), Labcorp
Classification: Pathogenic for Fanconi anemia. Last evaluated: 2025-10-05. Review status: criteria provided, single submitter. Criteria: Invitae Variant Classification Sherloc (09022015). Collection method: clinical testing. Allele origin: germline.
Comment: This sequence change replaces leucine, which is neutral and non-polar, with proline, which is neutral and non-polar, at codon 554 of the FANCC protein (p.Leu554Pro). This variant is present in population databases (rs104886458, gnomAD 0.003%). This missense change has been observed in individual(s) with Fanconi anemia (PMID: 8703809, 11050007). In at least one individual the data is consistent with being in trans (on the opposite chromosome) from a pathogenic variant. It has also been observed to segregate with disease in related individuals. ClinVar contains an entry for this variant (Variation ID: 12043). An algorithm developed to predict the effect of missense changes on protein structure and function (PolyPhen-2) suggests that this variant is likely to be disruptive. Experimental studies have shown that this missense change affects FANCC function (PMID: 8613549, 9242535, 9398857). For these reasons, this variant has been classified as Pathogenic.

Quest Diagnostics Nichols Institute San Juan Capistrano
Classification: Likely pathogenic. Last evaluated: 2024-11-18. Review status: criteria provided, single submitter. Criteria: Quest Diagnostics criteria. Collection method: clinical testing. Allele origin: unknown.
Comment: The FANCC c.1661C>T (p.Leu554Pro) variant has been reported in the published literature in individuals with breast cancer (PMIDs: 23028338 (2012), 33471991 (2021) see also LOVD), as well as head and neck squamous cell carcinoma (PMID: 28678401 (2017)). Additionally, this variant is associated with autosomal recessive Fanconi Anemia (FA) (PMIDs: 1574115 (1992)). In the published literature, this variant has been reported in multiple individuals with FA (PMIDs: 9207444 (1997), 8128956 (1994), 1574115 (1992)), most notably occurring in trans with an additional pathogenic FANCC variant (322delG) in two FA siblings (PMID: 8703809 (1996)). Experimental studies using FA patient derived cells suggest this variant is damaging to protein function, resulting in overexpression and increased MMC hypersensitivity (PMID: 8499901 (1993), 8613549 (1996)) failure to bind and/or interact with multiple proteins within the Fanconi Anemia complex (PMID: 9398857 (1997), 9242535 (1997), 10383195 (1999), 12093742 (2002), 12649160 (2003), 24469828 (2014), 26466335 (2015)), decreased double strand break repair and cell survival (PMID: 15364573 (2004)), and improper localization (PMID: 10383195 (1999)). The frequency of this variant in the general population, 0.000031 (4/128998 chromosomes (Genome Aggregation Database)), is uninformative in the assessment of its pathogenicity. Analysis of this variant using bioinformatics tools for the prediction of the effect of amino acid changes on protein structure and function yielded predictions that this variant is damaging. Please note that these prediction tools are not fully validated, and therefore, should be viewed with caution. Due to the limited utility of current functional studies for heterozygous FANCC variants as well as unsupported FANCC heterozygote risk association with cancer, the experimental evidence mentioned above is viewed with caution at this time. Based on the available information, this variant is classified as a variant of unknown significance for cancer and likely pathogenic for Fanconi Anemia.

Fulgent Genetics
Classification: Pathogenic for Fanconi anemia complementation group C. Last evaluated: 2024-02-08. Review status: criteria provided, single submitter. Criteria: ACMG Guidelines, 2015. Collection method: clinical testing. Allele origin: germline.

Baylor Genetics
Classification: Likely pathogenic for Fanconi anemia complementation group C. Last evaluated: 2023-12-17. Review status: criteria provided, single submitter. Criteria: ACMG Guidelines, 2015. Collection method: clinical testing. Allele origin: unknown.

PreventionGenetics, part of Exact Sciences
Classification: Pathogenic for FANCC-related condition. Last evaluated: 2023-10-03. Review status: criteria provided, single submitter. Criteria: ACMG Guidelines, 2015. Collection method: clinical testing. Allele origin: germline.
Comment: The FANCC c.1661T>C variant is predicted to result in the amino acid substitution p.Leu554Pro. This variant (originally identified as p.Leu553Pro) has been documented as being causative for Fanconi anemia (Strathdee et al 1992. PubMed ID: 157411) and may function in part by altering proper FANCC protein localization (Savoia et al. 1999. PubMed ID: 10383195). This variant is reported in 0.0031% of alleles in individuals of European (Non-Finnish) descent in gnomAD and is interpreted as Pathogenic/Likely pathogenic in ClinVar. This variant is interpreted as pathogenic.

GeneDx
Classification: Pathogenic. Last evaluated: 2022-07-15. Review status: criteria provided, single submitter. Criteria: GeneDx Variant Classification Process June 2021. Collection method: clinical testing. Allele origin: germline. Affected: yes.
Comment: Identified in individuals with breast and other cancers (Thompson et al., 2012; Chandrasekharappa et al., 2017); Published functional studies demonstrate a damaging effect: decreased capacity to tolerate mitomycin C and the inability to bind to FANCA, FANCE, and cdc2 (Gavish et al., 1993; Youssoufian et al., 1996; Kupfer et al., 1997a; Kupfer et al., 1997b; Gordon and Buchwald 2000); In silico analysis supports that this missense variant has a deleterious effect on protein structure/function; Not observed at significant frequency in large population cohorts (gnomAD); Also known as p.L553P; This variant is associated with the following publications: (PMID: 24469828, 28678401, 8703809, 8613549, 1574115, 12397061, 8499901, 9242535, 20301575, 26466335, 23028338, 9398857, 8128956, Gordon2000[Book])

Ambry Genetics
Classification: Pathogenic for Hereditary cancer-predisposing syndrome. Last evaluated: 2022-04-07. Review status: criteria provided, single submitter. Criteria: Ambry Variant Classification Scheme 2023. Collection method: clinical testing. Allele origin: germline.
Comment: The p.L554P pathogenic mutation (also known as c.1661T>C), located in coding exon 14 of the FANCC gene, results from a T to C substitution at nucleotide position 1661. The leucine at codon 554 is replaced by proline, an amino acid with similar properties. This alteration has been reported in trans with other loss-of-function FANCC alterations in patients with Fanconi Anemia (Strathdee CA et al. Nature 1992 Apr;356:763-7; Verlander PC et al. Am. J. Hum. Genet. 1994 Apr;54:595-601; Ambry internal data). Multiple defects in cells from one of these patients, who harbored FANCC c.322delG on the other chromosome, were rescued upon complementation with wild type constructs, however complementation with constructs harboring FANCC p.L554P were not able to rescue these defects. These defects include cell cycle regulation, sensitivity to chemical clastogens, subcellular localization, and binding to FANCA, FANCE and cdc2 (Gavish H et al. Hum. Mol. Genet. 1993 Feb;2:123-6; Dokal I et al. Br. J. Haematol. 1996 Jun;93:813-6; Youssoufian H et al. J. Clin. Invest. 1996 Feb;97:957-62; Kupfer GM et al. Blood 1997 Aug;90:1047-54; Kupfer GM et al. Nat. Genet. 1997 Dec;17:487-90; Savoia A et al. Blood 1999 Jun;93:4025-6; Pace P et al. EMBO J. 2002 Jul;21:3414-23; Gordon SM et al. Blood 2003 Jul;102:136-41). This amino acid position is highly conserved in available vertebrate species. In addition, this alteration is predicted to be deleterious by in silico analysis. Based on the supporting evidence, this alteration is interpreted as a disease-causing mutation.

Department of Pathology and Laboratory Medicine, Sinai Health System
Classification: Pathogenic for Fanconi anemia complementation group C. Last evaluated: 2021-02-03. Review status: criteria provided, single submitter. Criteria: ACMG Guidelines, 2015. Collection method: clinical testing. Allele origin: germline. Affected: yes.